The following is an entry in ClinVar:

NM_005235.3(ERBB4):c.1872G>T (p.Gly624=)

Gene: ERBB4 (erb-b2 receptor tyrosine kinase 4; minus strand). Cytogenetic location: 2q34.
Variant type: single nucleotide variant.
Coding change: c.1872G>T on transcript NM_005235.3 (MANE Select); coding-DNA position 1872, G replaced by T.
Protein change: p.Gly624=; no amino-acid change (glycine 624 retained).
Molecular consequence: synonymous variant.
Genome position (GRCh38, 1-based): chr2:211,657,828, C>A on the plus strand (G>T on the coding strand, the complement: ERBB4 is on the minus strand). VCF-style: chr2-211657828-C-A. GRCh37 (hg19) VCF-style: chr2-212522553-C-A.
Other names: c.1872G>T, p.Gly624= (NM_001042599.2).
Identifiers: ClinVar variation 2989008 (VCV002989008.4), dbSNP rs2469642821, ClinGen allele CA431289460.
Genomic context (GRCh38, chr2:211,657,828, plus strand): 5'-TAAAGTGGAATGGCCCGTCCATGGGTAGTAAATGCAGTCATGACTAGTGGGACCGTTACA[C>A]CTGCAGGCAATTACAGAACAGAAAACATCATTCTCCATCCACAGTGACATGCACACACAT-3'
Protein context (NP_005226.1, residues 614-634): CHPCHPNCTQ[Gly624=]CNGPTSHDCI

ClinVar aggregate classification (germline): Uncertain significance. Review status: criteria provided, single submitter (1 of 4 stars). 2 submissions from 2 submitters: Uncertain significance (1). 1 of the submissions does not count toward it. Last evaluated 2023-12-18.

Conditions:
ERBB4-related disorder. Also called: ERBB4-related condition.

Allele frequency attached by ClinVar (database versions not stated): gnomAD exomes below 0.00001.
gnomAD v4.1: 2 of 1,613,742 alleles (0.00012%); highest among the groups gnomAD compares: Non-Finnish European, 0.00017%; no homozygotes.

Submissions (2):

Labcorp Genetics (formerly Invitae), Labcorp
Classification: Uncertain significance. Last evaluated: 2023-12-18. Review status: criteria provided, single submitter. Criteria: Invitae Variant Classification Sherloc (09022015). Collection method: clinical testing. Allele origin: germline.
Comment: This sequence change affects codon 624 of the ERBB4 mRNA. It is a 'silent' change, meaning that it does not change the encoded amino acid sequence of the ERBB4 protein. It affects a nucleotide within the consensus splice site. This variant is not present in population databases (gnomAD no frequency). This variant has not been reported in the literature in individuals affected with ERBB4-related conditions. Algorithms developed to predict the effect of sequence changes on RNA splicing suggest that this variant may disrupt the consensus splice site. In summary, the available evidence is currently insufficient to determine the role of this variant in disease. Therefore, it has been classified as a Variant of Uncertain Significance.

PreventionGenetics, part of Exact Sciences
Classification: Uncertain significance for ERBB4-related condition. Last evaluated: 2023-12-26. Review status: no assertion criteria provided. Collection method: clinical testing. Allele origin: germline. Not counted in ClinVar's aggregate classification.
Comment: The ERBB4 c.1872G>T variant is not predicted to result in an amino acid change (p.=). This variant occurs at the first nucleotide of exon 16 and is predicted to disrupt splicing at the canonical splice donor site, although in silico predictions are not equivalent to functional evidence (SpliceAI, Jaganathan et al. 2019. PubMed ID: 30661751). To our knowledge, this variant has not been reported in the literature or in a large population database, indicating this variant is rare. At this time, the clinical significance of this variant is uncertain due to the absence of conclusive functional and genetic evidence.